The following is an entry in ClinVar:

NM_004525.3(LRP2):c.7064A>C (p.His2355Pro)

Gene: LRP2 (LDL receptor related protein 2; minus strand). Cytogenetic location: 2q31.1.
Variant type: single nucleotide variant.
Coding change: c.7064A>C on transcript NM_004525.3 (MANE Select); coding-DNA position 7064, A replaced by C.
Protein change: p.His2355Pro; replaces histidine 2355 with proline.
Molecular consequence: missense variant.
Genome position (GRCh38, 1-based): chr2:169,206,656, T>G on the plus strand (A>C on the coding strand, the complement: LRP2 is on the minus strand). VCF-style: chr2-169206656-T-G. GRCh37 (hg19) VCF-style: chr2-170063166-T-G.
Other names: short protein forms H2355P.
Identifiers: ClinVar variation 1347678 (VCV001347678.6), dbSNP rs576596052, ClinGen allele CA349171639.
Genomic context (GRCh38, chr2:169,206,656, plus strand): 5'-AGGGTCCCAAAGGCACAGTCACATTTTGGGGTGTGCAATCCAGGCAGAGCAAAGCAGAGA[T>G]GAGAGCACCCACCATTGTTTTCCAAGCAAGGGTTGTTGTTGACCTCTGCTGGTGACCGGG-3'
Protein context (NP_004516.2, residues 2345-2365): PCLENNGGCS[His2355Pro]LCFALPGLHT

ClinVar aggregate classification (germline): Uncertain significance (1 of 4 stars; one submission).

Submission:

Labcorp Genetics (formerly Invitae), Labcorp
Classification: Uncertain significance. Last evaluated: 2021-10-27. Review status: criteria provided, single submitter. Criteria: Invitae Variant Classification Sherloc (09022015). Collection method: clinical testing. Allele origin: germline.
Comment: In summary, the available evidence is currently insufficient to determine the role of this variant in disease. Therefore, it has been classified as a Variant of Uncertain Significance. Advanced modeling of protein sequence and biophysical properties (such as structural, functional, and spatial information, amino acid conservation, physicochemical variation, residue mobility, and thermodynamic stability) performed at Invitae indicates that this missense variant is expected to disrupt LRP2 protein function. This variant has not been reported in the literature in individuals affected with LRP2-related conditions. This variant is not present in population databases (gnomAD no frequency). This sequence change replaces histidine, which is basic and polar, with proline, which is neutral and non-polar, at codon 2355 of the LRP2 protein (p.His2355Pro).